The following is an entry in ClinVar:

NM_001009944.3(PKD1):c.9338G>A (p.Gly3113Glu)

Gene: PKD1 (polycystin 1, transient receptor potential channel interacting; minus strand). Cytogenetic location: 16p13.3.
Variant type: single nucleotide variant.
Coding change: c.9338G>A on transcript NM_001009944.3 (MANE Select); coding-DNA position 9338, G replaced by A.
Protein change: p.Gly3113Glu; replaces glycine 3113 with glutamic acid.
Molecular consequence: missense variant.
Genome position (GRCh38, 1-based): chr16:2,102,120, C>T on the plus strand (G>A on the coding strand, the complement: PKD1 is on the minus strand). VCF-style: chr16-2102120-C-T. GRCh37 (hg19) VCF-style: chr16-2152121-C-T.
Other names: c.9338G>A, p.Gly3113Glu (NM_000296.4); short protein forms G3113E.
Identifiers: ClinVar variation 3381967 (VCV003381967.2).

ClinVar aggregate classification (germline): Uncertain significance (1 of 4 stars; one submission).

Conditions:
Polycystic kidney disease, adult type (PKD1). Also called: POLYCYSTIC KIDNEY DISEASE, ADULT, TYPE I; Polycystic Kidney Disease 1, Autosomal Dominant; Polycystic kidney disease 1; Polycystic kidney disease 1, severe; Polycystic Kidney, Autosomal Dominant; POLYCYSTIC KIDNEY DISEASE 1 WITH OR WITHOUT POLYCYSTIC LIVER DISEASE. Identifiers: MedGen C3149841, MONDO:0008263, OMIM 173900.

Submission:

Juno Genomics, Hangzhou Juno Genomics, Inc
Classification: Uncertain significance for Polycystic kidney disease, adult type. Review status: criteria provided, single submitter. Criteria: ACMG Guidelines, 2015. Collection method: clinical testing. Allele origin: germline. Affected: yes.
Comment: Absent from controls (or at extremely low frequency if recessive) in Genome Aggregation Database, Exome Sequencing Project, 1000 Genomes Project, or Exome Aggregation Consortium.;Patient's phenotype or family history is highly specific for a disease with a single genetic etiology.